The following is an entry in ClinVar:

NM_000051.4(ATM):c.7158_7164delinsCCGGTTT (p.Phe2387_Leu2388delinsArgPhe)

Genes: ATM (ATM serine/threonine kinase; plus strand), C11orf65 (chromosome 11 open reading frame 65; minus strand). Cytogenetic location: 11q22.3.
Variant type: Indel.
Coding change: c.7158_7164delinsCCGGTTT on transcript NM_000051.4 (MANE Select); coding-DNA positions 7158 to 7164, ATTTCTC replaced by CCGGTTT.
Protein change: p.Phe2387_Leu2388delinsArgPhe.
Molecular consequence: missense variant. On other transcripts: intron variant (2).
Genome position (GRCh38, 1-based): chr11:108,329,089-108,329,095, ATTTCTC replaced by CCGGTTT. VCF-style: chr11-108329089-ATTTCTC-CCGGTTT. GRCh37 (hg19) VCF-style: chr11-108199816-ATTTCTC-CCGGTTT.
Other names: c.7158_7164delATTTCTCinsCCGGTTT, p.Phe2387_Leu2388delinsArgPhe (NM_000051.3); c.7158_7164delinsCCGGTTT, p.Phe2387_Leu2388delinsArgPhe (NM_001351834.2); c.641-20024_641-20018delinsAAACCGG (NM_001330368.2); c.*38+6125_*38+6131delinsAAACCGG (NM_001351110.2).
Identifiers: ClinVar variation 3061416 (VCV003061416.3), dbSNP rs2547248018, ClinGen allele CA2740093212.

ClinVar aggregate classification (germline): Uncertain significance. Review status: criteria provided, single submitter (1 of 4 stars). 2 submissions from 2 submitters: Uncertain significance (1). 1 of the submissions does not count toward it. Last evaluated 2024-08-03.

Conditions:
ATM-related disorder. Also called: ATM-related disorders; ATM-related condition.
Ataxia-telangiectasia syndrome (AT). Also called: AT, COMPLEMENTATION GROUP C; Ataxia-telangiectasia, complementation group D; ATAXIA-TELANGIECTASIA, COMPLEMENTATION GROUP A; ATAXIA-TELANGIECTASIA, FRESNO VARIANT; Ataxia-telangiectasia; Ataxia-telangiectasia, complementation group E. Identifiers: Orphanet 100, MedGen C0004135, MONDO:0008840, OMIM 208900.

Submissions (2):

St. Jude Molecular Pathology, St. Jude Children's Research Hospital
Classification: Uncertain significance for Ataxia-telangiectasia syndrome. Last evaluated: 2024-08-03. Review status: criteria provided, single submitter. Criteria: St. Jude Assertion Criteria 2020. Collection method: clinical testing. Allele origin: germline.
Comment: The ATM c.7158_7164delinsCCGGTTT (p.Phe2387_Leu2388delinsArgPhe) change results from the replacement of 2 amino acids in exon 49 of the ATM gene. This variant is absent in gnomAD v2.1.1. Algorithms that predict the impact of sequence changes on splicing indicate that this variant does not affect splicing, and internal RNA data demonstrates normal splicing. To our knowledge, this variant has not been reported in individuals with ATM-associated disorders. In summary, the evidence currently available is insufficient to determine the clinical significance of this variant. It has therefore been classified as of uncertain significance.

PreventionGenetics, part of Exact Sciences
Classification: Uncertain significance for ATM-related condition. Last evaluated: 2024-02-27. Review status: no assertion criteria provided. Collection method: clinical testing. Allele origin: germline. Not counted in ClinVar's aggregate classification.
Comment: The ATM c.7158_7164delinsCCGGTTT variant is predicted to result in an in-frame deletion and insertion. To our knowledge, this variant has not been reported in the literature or in a large population database, indicating this variant is rare. This variant is not present in ClinVar. This variant is interpreted as a variant of uncertain siginficance.